The following is an entry in ClinVar:

ClinVar aggregate classification (germline): Uncertain significance (1 of 4 stars; one submission).

Conditions:
Neurofibromatosis, type 1 (NF1). Also called: Peripheral type neurofibromatosis; Neurofibromatosis, type I; VON RECKLINGHAUSEN DISEASE; NEUROFIBROMATOSIS, TYPE I, SOMATIC. Identifiers: Orphanet 636, MedGen C0027831, MONDO:0018975, OMIM 162200. Disease mechanism: loss of function.

Submission:

Labcorp Genetics (formerly Invitae), Labcorp
Classification: Uncertain significance for Neurofibromatosis, type 1. Last evaluated: 2024-02-09. Review status: criteria provided, single submitter. Criteria: Invitae Variant Classification Sherloc (09022015). Collection method: clinical testing. Allele origin: germline.
Comment: This sequence change falls in intron 21 of the NF1 gene. It does not directly change the encoded amino acid sequence of the NF1 protein. This variant is not present in population databases (gnomAD no frequency). This variant has not been reported in the literature in individuals affected with NF1-related conditions. Algorithms developed to predict the effect of sequence changes on RNA splicing suggest that this variant may disrupt the consensus splice site. In summary, the available evidence is currently insufficient to determine the role of this variant in disease. Therefore, it has been classified as a Variant of Uncertain Significance.

NM_001042492.3(NF1):c.2851-20T>G

Gene: NF1 (neurofibromin 1; plus strand). Cytogenetic location: 17q11.2.
Variant type: single nucleotide variant.
Coding change: c.2851-20T>G on transcript NM_001042492.3 (MANE Select); 20 bases into the intron before coding-DNA position 2851, T replaced by G.
Molecular consequence: intron variant.
Genome position (GRCh38, 1-based): chr17:31,229,815, T>G. VCF-style: chr17-31229815-T-G. GRCh37 (hg19) VCF-style: chr17-29556833-T-G.
Other names: c.2851-20T>G (NM_000267.4).
Identifiers: ClinVar variation 3681194 (VCV003681194.2).